The following is an entry in ClinVar:

ClinVar aggregate classification (germline): Pathogenic (1 of 4 stars; one submission).

Submission:

GeneDx
Classification: Pathogenic. Last evaluated: 2017-07-08. Review status: criteria provided, single submitter. Criteria: GeneDx Variant Classification (06012015). Collection method: clinical testing. Allele origin: germline. Affected: yes.
Comment: The c.702delC variant in the NFKB1 gene has not been reported previously as a pathogenic variant nor as a benign variant, to our knowledge. The c.702delC variant causes a frameshift starting with codon Valine 235, changes this amino acid to a Tryptophan residue, and creates a premature Stop codon at position 17 of the new reading frame, denoted p.Val235TrpfsX17. This variant is predicted to cause loss of normal protein function either through protein truncation or nonsense-mediated mRNA decay. The c.702delC variant is not observed in large population cohorts (Lek et al., 2016; 1000 Genomes Consortium et al., 2015; Exome Variant Server). We interpret c.702delC as a pathogenic variant

NM_003998.4(NFKB1):c.702del (p.Val235fs)

Gene: NFKB1 (nuclear factor kappa B subunit 1; plus strand). Cytogenetic location: 4q24.
Variant type: Deletion.
Coding change: c.702del on transcript NM_003998.4 (MANE Select); coding-DNA position 702, one base deleted (C; older notation c.702delC).
Protein change: p.Val235fs; shifts the reading frame from valine 235.
Molecular consequence: frameshift variant.
Genome position (GRCh38, 1-based): chr4:102,579,011, C deleted; the last of 3 consecutive C bases (chr4:102,579,009-102,579,011); deleting any one gives the same sequence. VCF-style (leftmost placement, unchanged base first): chr4-102579008-AC-A. GRCh37 (hg19) VCF-style: chr4-103500165-AC-A.
Other names: c.699del, p.Val234fs (NM_001165412.2, NM_001319226.2); c.702del, p.Val235fs (LRG_1316t1); short protein forms V235fs, V234fs.
Identifiers: ClinVar variation 450428 (VCV000450428.2), dbSNP rs1553934187, ClinGen allele CA658657396.